The following is an entry in ClinVar:

ClinVar aggregate classification (germline): Benign/Likely benign. Review status: criteria provided, multiple submitters, no conflicts (2 of 4 stars). 5 submissions from 5 submitters: Benign (4); Likely benign (1). Last evaluated 2026-01-12.

Conditions:
Mowat-Wilson syndrome (MOWS). Also called: Classic Mowat-Wilson Syndrome. Identifiers: Orphanet 2152, MedGen C1856113, MONDO:0009341, OMIM 235730.

Allele frequency attached by ClinVar (database versions not stated): gnomAD exomes 0.00005 and 0.00022; ESP Exome Variant Server 0.00008; gnomAD 0.00010 and 0.00015; TOPMed 0.00010; ExAC 0.00023; 1000 Genomes Project 30x 0.00125; 1000 Genomes Project 0.00140.
gnomAD v4.1: 101 of 1,614,148 alleles (0.0063%); highest among the groups gnomAD compares: East Asian, 0.14%; no homozygotes.

Submissions (5):

Labcorp Genetics (formerly Invitae), Labcorp
Classification: Benign for Mowat-Wilson syndrome. Last evaluated: 2026-01-12. Review status: criteria provided, single submitter. Criteria: Invitae Variant Classification Sherloc (09022015). Collection method: clinical testing. Allele origin: germline.

Blueprint Genetics
Classification: Likely benign. Last evaluated: 2024-10-22. Review status: criteria provided, single submitter. Criteria: ACMG Guidelines, 2015. Collection method: clinical testing. Allele origin: germline.

CeGaT Center for Human Genetics Tuebingen
Classification: Benign. Last evaluated: 2022-03-01. Review status: criteria provided, single submitter. Criteria: CeGaT Center For Human Genetics Tuebingen Variant Classification Criteria Version 2. Collection method: clinical testing. Allele origin: germline. Affected: yes. Observed: 1 variant allele.
Comment: ZEB2: BS1, BS2

Genome-Nilou Lab
Classification: Benign for Mowat-Wilson syndrome. Last evaluated: 2021-11-07. Review status: criteria provided, single submitter. Criteria: ACMG Guidelines, 2015. Collection method: clinical testing. Allele origin: germline. Affected: no.

GeneDx
Classification: Benign. Last evaluated: 2013-05-29. Review status: criteria provided, single submitter. Criteria: GeneDx Variant Classification (06012015). Collection method: clinical testing. Allele origin: germline. Affected: yes.
Comment: This variant is considered likely benign or benign based on one or more of the following criteria: it is a conservative change, it occurs at a poorly conserved position in the protein, it is predicted to be benign by multiple in silico algorithms, and/or has population frequency not consistent with disease.

NM_014795.4(ZEB2):c.1587G>A (p.Thr529=)

Gene: ZEB2 (zinc finger E-box binding homeobox 2; minus strand). Cytogenetic location: 2q22.3.
Variant type: single nucleotide variant.
Coding change: c.1587G>A on transcript NM_014795.4 (MANE Select); coding-DNA position 1587, G replaced by A.
Protein change: p.Thr529=; no amino-acid change (threonine 529 retained).
Molecular consequence: synonymous variant.
Genome position (GRCh38, 1-based): chr2:144,399,600, C>T on the plus strand (G>A on the coding strand, the complement: ZEB2 is on the minus strand). VCF-style: chr2-144399600-C-T. GRCh37 (hg19) VCF-style: chr2-145157167-C-T.
Other names: p.T529T:ACG>ACA; c.1515G>A, p.Thr505= (NM_001171653.2).
Identifiers: ClinVar variation 137946 (VCV000137946.38), dbSNP rs148709333, ClinGen allele CA291669.